The following is an entry in ClinVar:

ClinVar aggregate classification (germline): Uncertain significance (1 of 4 stars; one submission).

Allele frequency attached by ClinVar (database versions not stated): gnomAD 0.00002; ESP Exome Variant Server 0.00008.
gnomAD v4.1: 32 of 1,613,952 alleles (0.002%); highest among the groups gnomAD compares: Non-Finnish European, 0.0025%; no homozygotes.

Submission:

Labcorp Genetics (formerly Invitae), Labcorp
Classification: Uncertain significance. Last evaluated: 2022-07-12. Review status: criteria provided, single submitter. Criteria: Invitae Variant Classification Sherloc (09022015). Collection method: clinical testing. Allele origin: germline.
Comment: This sequence change replaces glycine, which is neutral and non-polar, with arginine, which is basic and polar, at codon 35 of the LARS2 protein (p.Gly35Arg). This variant is present in population databases (rs113559893, gnomAD 0.01%). This variant has not been reported in the literature in individuals affected with LARS2-related conditions. Algorithms developed to predict the effect of missense changes on protein structure and function output the following: SIFT: "Tolerated"; PolyPhen-2: "Benign"; Align-GVGD: "Class C0". The arginine amino acid residue is found in multiple mammalian species, which suggests that this missense change does not adversely affect protein function. In summary, the available evidence is currently insufficient to determine the role of this variant in disease. Therefore, it has been classified as a Variant of Uncertain Significance.

NM_015340.4(LARS2):c.103G>A (p.Gly35Arg)

Gene: LARS2 (leucyl-tRNA synthetase 2, mitochondrial; plus strand). Cytogenetic location: 3p21.31.
Variant type: single nucleotide variant.
Coding change: c.103G>A on transcript NM_015340.4 (MANE Select); coding-DNA position 103, G replaced by A.
Protein change: p.Gly35Arg; replaces glycine 35 with arginine.
Molecular consequence: missense variant.
Genome position (GRCh38, 1-based): chr3:45,394,556, G>A. VCF-style: chr3-45394556-G-A. GRCh37 (hg19) VCF-style: chr3-45436048-G-A.
Other names: c.103G>A, p.Gly35Arg (NM_001368263.1); short protein forms G35R.
Identifiers: ClinVar variation 2186380 (VCV002186380.1), dbSNP rs113559893, ClinGen allele CA73676935.
Genomic context (GRCh38, chr3:45,394,556, plus strand): 5'-CTGAAAAGACAGCTAAATGGTGGGCCAGATGTCATCAAGTGGGAAAGGAGAGTAATTCCC[G>A]GATGTACCAGAAGCATCTACAGTGCCACGGGAAAGTGGACAAAAGAGTATACATTGCAGA-3'
Protein context (NP_056155.1, residues 25-45): VIKWERRVIP[Gly35Arg]CTRSIYSATG